The following is an entry in ClinVar:

NM_001127255.2(NLRP7):c.2320_2321insT (p.Thr774Ilefs)

Genes: NCR1 (natural cytotoxicity triggering receptor 1), NLRP7 (NLR family pyrin domain containing 7; minus strand). Cytogenetic location: 19q13.42.
Variant type: Insertion.
Coding change: c.2320_2321insT on transcript NM_001127255.2 (MANE Select); coding-DNA positions 2320 to 2321, T inserted.
Protein change: p.Thr774Ilefs; shifts the reading frame from threonine 774.
Molecular consequence: frameshift variant.
Genome position: GRCh38 VCF-style: chr19-54934639-G-GA. GRCh37 (hg19) VCF-style: chr19-55446007-G-GA.
Other names: NLRP7; c.2320_2321insT, p.Thr774Ilefs (NM_001405531.1, NM_206828.4); c.2236_2237insT, p.Thr746Ilefs (NM_139176.4); short protein forms T746fs, T774fs.
Identifiers: ClinVar variation 830330 (VCV000830330.6), dbSNP rs2068825510, ClinGen allele CA916083736.

ClinVar aggregate classification (germline): Likely pathogenic (1 of 4 stars; one submission).

Conditions:
Hydatidiform mole, recurrent, 1 (HYDM1). Identifiers: Orphanet 254688, Orphanet 99927, MedGen C3463897, MONDO:0009273, OMIM 231090. Disease mechanism: loss of function.

Submission:

Diagnostics Services (NGS), CSIR - Centre For Cellular And Molecular Biology
Classification: Likely pathogenic for Hydatidiform mole, recurrent, 1. Last evaluated: 2020-03-09. Review status: criteria provided, single submitter. Criteria: ACMG Guidelines, 2015. Collection method: clinical testing. Allele origin: unknown. Inheritance: Autosomal recessive inheritance. Observed: 1 heterozygote.
Comment: The c.2320_2321insT variant is not present in publicly available databases like 1000 Genomes, Exome Variant Server (EVS), Exome Aggregation Consortium (ExAC), Genome Aggregation Database (gnomAD) and dbSNP. The variant is also not present in our in-house exome database. The variant was not reported earlier to OMIM, ClinVar or HGMD databases. In-silico pathogenicity prediction programs like MutationTaster2, CADD etc. predicted this variant as likely deleterious. The variant causes a frameshift that may either result into a truncated protein due to premature stop codon or loss of protein due to non sense mediated decay of the mRNA, however functional assay was not performed performed to prove this. The variant has been classified as likely pathogenic as per ACMG guidelines.